The following is an entry in ClinVar:

ClinVar aggregate classification (germline): Conflicting classifications of pathogenicity. Review status: criteria provided, conflicting classifications (1 of 4 stars). 3 submissions from 3 submitters: Uncertain significance (2); Likely benign (1). Last evaluated 2025-07-06.

Conditions:
Cardiovascular phenotype. Identifiers: MedGen CN230736.
Long QT syndrome (LQTS). Identifiers: MedGen C0023976, MeSH D008133, MONDO:0002442. Disease mechanism: loss of function. Inheritance: Various modes of inheritance.
Long QT syndrome 11 (LQT11). Identifiers: Orphanet 101016, Orphanet 768, MedGen C2678483, MONDO:0012738, OMIM 611820.

Allele frequency attached by ClinVar (database versions not stated): gnomAD exomes 0.00001 and 0.00002; ExAC 0.00002; TOPMed 0.00002.
gnomAD v4.1: 7 of 1,614,060 alleles (0.00043%); highest among the groups gnomAD compares: Admixed American, 0.012%; no homozygotes.

Submissions (3):

Ambry Genetics
Classification: Likely benign for Cardiovascular phenotype. Last evaluated: 2025-07-06. Review status: criteria provided, single submitter. Criteria: Ambry Variant Classification Scheme 2023. Collection method: clinical testing. Allele origin: germline.

Labcorp Genetics (formerly Invitae), Labcorp
Classification: Uncertain significance for Long QT syndrome. Last evaluated: 2023-02-18. Review status: criteria provided, single submitter. Criteria: Invitae Variant Classification Sherloc (09022015). Collection method: clinical testing. Allele origin: germline.
Comment: ClinVar contains an entry for this variant (Variation ID: 1370771). This variant has not been reported in the literature in individuals affected with AKAP9-related conditions. This variant is present in population databases (rs761783446, gnomAD 0.01%). This sequence change replaces glutamic acid, which is acidic and polar, with aspartic acid, which is acidic and polar, at codon 2704 of the AKAP9 protein (p.Glu2704Asp). In summary, the available evidence is currently insufficient to determine the role of this variant in disease. Therefore, it has been classified as a Variant of Uncertain Significance. An algorithm developed to predict the effect of missense changes on protein structure and function (PolyPhen-2) suggests that this variant is likely to be tolerated.

Fulgent Genetics
Classification: Uncertain significance for Long QT syndrome 11. Last evaluated: 2021-10-20. Review status: criteria provided, single submitter. Criteria: ACMG Guidelines, 2015. Collection method: clinical testing. Allele origin: unknown.

NM_005751.5(AKAP9):c.8112A>C (p.Glu2704Asp)

Gene: AKAP9 (A-kinase anchoring protein 9; plus strand). Cytogenetic location: 7q21.2.
Variant type: single nucleotide variant.
Coding change: c.8112A>C on transcript NM_005751.5 (MANE Select); coding-DNA position 8112, A replaced by C.
Protein change: p.Glu2704Asp; replaces glutamic acid 2704 with aspartic acid.
Molecular consequence: missense variant.
Genome position (GRCh38, 1-based): chr7:92,082,614, A>C. VCF-style: chr7-92082614-A-C. GRCh37 (hg19) VCF-style: chr7-91711928-A-C.
Other names: c.8112A>C (NM_005751.4); c.2757A>C, p.Glu919Asp (NM_001379277.1); c.8088A>C, p.Glu2696Asp (NM_147185.3); short protein forms E2696D, E2704D, E919D.
Identifiers: ClinVar variation 1370771 (VCV001370771.8), dbSNP rs761783446, ClinGen allele CA4337416.
Genomic context (GRCh38, chr7:92,082,614, plus strand): 5'-AAGTGGATTTTTTAATGAACTCGAGGCTCTTAGAGCTGAATCAGTGGCTACCAAAGCAGA[A>C]CTTGCCAGTTATAAAGAAAAGGCTGAAAAACTTCAAGAAGAGCTTTTGGTAAGATAAGTA-3'
Protein context (NP_005742.4, residues 2694-2714): LRAESVATKA[Glu2704Asp]LASYKEKAEK